The following is an entry in ClinVar:

NM_000625.4(NOS2):c.735C>T (p.Thr245=)

Gene: NOS2 (nitric oxide synthase 2; minus strand). Cytogenetic location: 17q11.2.
Variant type: single nucleotide variant.
Coding change: c.735C>T on transcript NM_000625.4 (MANE Select); coding-DNA position 735, C replaced by T.
Protein change: p.Thr245=; no amino-acid change (threonine 245 retained).
Molecular consequence: synonymous variant.
Genome position (GRCh38, 1-based): chr17:27,781,165, G>A on the plus strand (C>T on the coding strand, the complement: NOS2 is on the minus strand). VCF-style: chr17-27781165-G-A. GRCh37 (hg19) VCF-style: chr17-26108191-G-A.
Identifiers: ClinVar variation 3046535 (VCV003046535.2), dbSNP rs201758824, ClinGen allele CA8454955.
Genomic context (GRCh38, chr17:27,781,165, plus strand): 5'-GATGAGCTGAGCATTCCACACCCGGAAGTCGTGCTTGCCATCACTCCGCTGGGGGAACAC[G>A]GTGATGGCCGACCTTCCCAGGACAGGAACAGTACTGTTTACCACCTAGCCCTGGTGGGGG-3'
Protein context (NP_000616.3, residues 235-255): TNNGNIRSAI[Thr245=]VFPQRSDGKH

ClinVar aggregate classification (germline): Likely benign (0 of 4 stars; one submission).

Conditions:
NOS2-related disorder. Also called: NOS2-related condition.

Allele frequency attached by ClinVar (database versions not stated): TOPMed 0.00002; ExAC 0.00003; gnomAD 0.00003; gnomAD exomes 0.00003; ESP Exome Variant Server 0.00008.
gnomAD v4.1: 56 of 1,607,618 alleles (0.0035%); highest among the groups gnomAD compares: South Asian, 0.019%; no homozygotes.

Submission:

PreventionGenetics, part of Exact Sciences
Classification: Likely benign for NOS2-related condition. Last evaluated: 2019-02-22. Review status: no assertion criteria provided. Collection method: clinical testing. Allele origin: germline.
Comment: This variant is classified as likely benign based on ACMG/AMP sequence variant interpretation guidelines (Richards et al. 2015 PMID: 25741868, with internal and published modifications).